The following is an entry in ClinVar:

ClinVar aggregate classification (germline): Uncertain significance (1 of 4 stars; one submission).

Conditions:
Hereditary insensitivity to pain with anhidrosis (CIPA). Also called: NTRK1 Congenital Insensitivity to Pain with Anhidrosis; INSENSITIVITY TO PAIN, CONGENITAL, WITH ANHIDROSIS; FAMILIAL DYSAUTONOMIA, TYPE II; hereditary sensory and autonomic neuropathy type 4; HSAN Type IV; NEUROPATHY, CONGENITAL SENSORY, WITH ANHIDROSIS. Identifiers: Orphanet 642, MedGen C0020074, MONDO:0009746, OMIM 256800.

Submission:

Labcorp Genetics (formerly Invitae), Labcorp
Classification: Uncertain significance for Hereditary insensitivity to pain with anhidrosis. Last evaluated: 2020-10-08. Review status: criteria provided, single submitter. Criteria: Invitae Variant Classification Sherloc (09022015). Collection method: clinical testing. Allele origin: germline.
Comment: In summary, the available evidence is currently insufficient to determine the role of this variant in disease. Therefore, it has been classified as a Variant of Uncertain Significance. Advanced modeling of protein sequence and biophysical properties (such as structural, functional, and spatial information, amino acid conservation, physicochemical variation, residue mobility, and thermodynamic stability) performed at Invitae indicates that this missense variant is expected to disrupt NTRK1 protein function. This variant has not been reported in the literature in individuals with NTRK1-related conditions. This variant is not present in population databases (ExAC no frequency). This sequence change replaces tyrosine with serine at codon 634 of the NTRK1 protein (p.Tyr634Ser). The tyrosine residue is highly conserved and there is a large physicochemical difference between tyrosine and serine.

NM_002529.4(NTRK1):c.1919A>C (p.Tyr640Ser)

Gene: NTRK1 (neurotrophic receptor tyrosine kinase 1; plus strand). Cytogenetic location: 1q23.1.
Variant type: single nucleotide variant.
Coding change: c.1919A>C on transcript NM_002529.4 (MANE Select); coding-DNA position 1919, A replaced by C.
Protein change: p.Tyr640Ser; replaces tyrosine 640 with serine.
Molecular consequence: missense variant.
Genome position (GRCh38, 1-based): chr1:156,879,235, A>C. VCF-style: chr1-156879235-A-C. GRCh37 (hg19) VCF-style: chr1-156849027-A-C.
Other names: c.1811A>C, p.Tyr604Ser (NM_001007792.1); c.1901A>C, p.Tyr634Ser (NM_001012331.2); short protein forms Y604S, Y634S, Y640S.
Identifiers: ClinVar variation 1007738 (VCV001007738.8), dbSNP rs1648104540, ClinGen allele CA342939763.
Genomic context (GRCh38, chr1:156,879,235, plus strand): 5'-GCCCCCTGGGTCTGGGGCAGCTGCTGGCCGTGGCTAGCCAGGTCGCTGCGGGGATGGTGT[A>C]CCTGGCGGGTCTGCATTTTGTGCACCGGGACCTGGCCACACGCAACTGTCTAGTGGGCCA-3'
Protein context (NP_002520.2, residues 630-650): VASQVAAGMV[Tyr640Ser]LAGLHFVHRD